The following is an entry in ClinVar:

ClinVar aggregate classification (germline): Pathogenic/Likely pathogenic. Review status: no assertion criteria provided (0 of 4 stars). 2 submissions from 2 submitters: Pathogenic (1); Likely pathogenic (1). Last evaluated 2024-02-12.

Conditions:
Myeloperoxidase deficiency (MPOD). Also called: MPO DEFICIENCY; Myeloperoxidase deficiency syndrome. Identifiers: Orphanet 2587, MedGen C0398595, MONDO:0009694, OMIM 254600.
MPO-related disorder. Also called: MPO-related condition.

Allele frequency attached by ClinVar (database versions not stated): gnomAD 0.00001 and 0.00002; TOPMed 0.00002; ExAC 0.00003; 1000 Genomes Project 30x 0.00016; 1000 Genomes Project 0.00020.
gnomAD v4.1: 17 of 1,614,230 alleles (0.0011%); highest among the groups gnomAD compares: East Asian, 0.0022%; no homozygotes.

Submissions (2):

PreventionGenetics, part of Exact Sciences
Classification: Likely pathogenic for MPO-related condition. Last evaluated: 2024-02-12. Review status: no assertion criteria provided. Collection method: clinical testing. Allele origin: germline.
Comment: The MPO c.1495C>T variant is predicted to result in the amino acid substitution p.Arg499Cys. This variant has been reported in the homozygous state in an individual with myeloperoxidase deficiency (Persad et al. 2006. PubMed ID: 17017121). This variant is reported in 0.0065% of alleles in individuals of South Asian descent in gnomAD. An in vitro experimental study suggests this variant affects the enzymatic activity of the protein (Figure 7, Goedken et al. 2007. PubMed ID: 17650507). This variant is interpreted as likely pathogenic.

OMIM
Classification: Pathogenic for MYELOPEROXIDASE DEFICIENCY. Last evaluated: 2007-09-21. Review status: no assertion criteria provided. Collection method: literature only. Allele origin: germline.

Literature cited by the submitters: PubMed 17017121 (cited by OMIM); PubMed 17650507 (cited by OMIM).

NM_000250.2(MPO):c.1495C>T (p.Arg499Cys)

Genes: MPO (myeloperoxidase; minus strand), LOC106694316 (enhancer region in introns 7-9 of MPO; plus strand). Cytogenetic location: 17q22.
Variant type: single nucleotide variant.
Coding change: c.1495C>T on transcript NM_000250.2 (MANE Select); coding-DNA position 1495, C replaced by T.
Protein change: p.Arg499Cys; replaces arginine 499 with cysteine.
Molecular consequence: missense variant.
Genome position (GRCh38, 1-based): chr17:58,273,540, G>A on the plus strand (C>T on the coding strand, the complement: MPO is on the minus strand). VCF-style: chr17-58273540-G-A. GRCh37 (hg19) VCF-style: chr17-56350901-G-A.
Other names: c.1495C>T, p.Arg499Cys (LRG_84t1); c.1495C>T (NM_000250.1); short protein forms R499C.
Identifiers: ClinVar variation 3635 (VCV000003635.3), dbSNP rs119469014, ClinGen allele CA116396.